The following is an entry in ClinVar:

NM_001399.5(EDA):c.599del (p.Pro200fs)

Gene: EDA (ectodysplasin A; plus strand). Cytogenetic location: Xq13.1.
Variant type: Deletion.
Coding change: c.599del on transcript NM_001399.5 (MANE Select); coding-DNA position 599, one base deleted (C; older notation c.599delC).
Protein change: p.Pro200fs; shifts the reading frame from proline 200.
Molecular consequence: frameshift variant.
Genome position (GRCh38, 1-based): chrX:70,027,929, C deleted; the last of 5 consecutive C bases (chrX:70,027,925-70,027,929); deleting any one gives the same sequence. VCF-style (leftmost placement, unchanged base first): chrX-70027924-AC-A. GRCh37 (hg19) VCF-style: chrX-69247774-AC-A.
Other names: c.599del, p.Pro200fs (NM_001005609.2, NM_001005612.3); short protein forms P200fs.
Identifiers: ClinVar variation 651933 (VCV000651933.7), dbSNP rs1556098570, ClinGen allele CA915951151.
Genomic context (GRCh38, chrX:70,027,924, plus strand): 5'-AGCAGGACCTCCTGGACCCAATGGCCCTCCAGGACCCCCAGGACCTCCAGGACCCCAGGG[AC>A]CCCCAGGAATTCCAGGGATTCCTGGAATTCCAGGAACAACTGTTATGGGACCACCTGGTC-3'

ClinVar aggregate classification (germline): Pathogenic (1 of 4 stars; one submission).

Conditions:
Hypohidrotic X-linked ectodermal dysplasia (XHED). Also called: Anhidrotic ectodermal dysplasia X-linked; Christ Siemens Touraine syndrome; ECTODERMAL DYSPLASIA 1, HYPOHIDROTIC, X-LINKED; Christ-Siemans-Touraine syndrome; ECTODERMAL DYSPLASIA 1; ECTODERMAL DYSPLASIA 1, HYPOHIDROTIC/HAIR/TOOTH TYPE, X-LINKED. Identifiers: Orphanet 181, Orphanet 238468, MedGen C0162359, MONDO:0010585, OMIM 305100.

Submission:

Labcorp Genetics (formerly Invitae), Labcorp
Classification: Pathogenic for Hypohidrotic X-linked ectodermal dysplasia. Last evaluated: 2018-12-13. Review status: criteria provided, single submitter. Criteria: Invitae Variant Classification Sherloc (09022015). Collection method: clinical testing. Allele origin: germline.
Comment: For these reasons, this variant has been classified as Pathogenic. Loss-of-function variants in EDA are known to be pathogenic (PMID: 9683615). This variant has not been reported in the literature in individuals with EDA-related conditions. This variant is not present in population databases (ExAC no frequency). This sequence change creates a premature translational stop signal (p.Pro200Glnfs*80) in the EDA gene. It is expected to result in an absent or disrupted protein product.

Literature cited by the submitters: PubMed 9683615.